The following is an entry in ClinVar:

ClinVar aggregate classification (germline): Uncertain significance. Review status: criteria provided, multiple submitters, no conflicts (2 of 4 stars). 4 submissions from 4 submitters: Uncertain significance (4). Last evaluated 2026-01-04.

Conditions:
Cardiovascular phenotype. Identifiers: MedGen CN230736.
Hereditary cancer-predisposing syndrome. Also called: Neoplastic Syndromes, Hereditary; Tumor predisposition; Hereditary Cancer Syndrome; Hereditary neoplastic syndrome. Identifiers: Orphanet 140162, MedGen C0027672, MeSH D009386, MONDO:0015356.
Neurofibromatosis, type 1 (NF1). Also called: VON RECKLINGHAUSEN DISEASE; Peripheral type neurofibromatosis; NEUROFIBROMATOSIS, TYPE I, SOMATIC; Neurofibromatosis, type I. Identifiers: Orphanet 636, MedGen C0027831, MONDO:0018975, OMIM 162200. Disease mechanism: loss of function.

Submissions (4):

Labcorp Genetics (formerly Invitae), Labcorp
Classification: Uncertain significance for Neurofibromatosis, type 1. Last evaluated: 2026-01-04. Review status: criteria provided, single submitter. Criteria: Invitae Variant Classification Sherloc (09022015). Collection method: clinical testing. Allele origin: germline.
Comment: This sequence change replaces arginine, which is basic and polar, with glycine, which is neutral and non-polar, at codon 1825 of the NF1 protein (p.Arg1825Gly). This variant is not present in population databases (gnomAD no frequency). This variant has not been reported in the literature in individuals affected with NF1-related conditions. ClinVar contains an entry for this variant (Variation ID: 825761). Invitae Evidence Modeling of protein sequence and biophysical properties (such as structural, functional, and spatial information, amino acid conservation, physicochemical variation, residue mobility, and thermodynamic stability) indicates that this missense variant is expected to disrupt NF1 protein function with a positive predictive value of 95%. In summary, the available evidence is currently insufficient to determine the role of this variant in disease. Therefore, it has been classified as a Variant of Uncertain Significance.

Blueprint Genetics
Classification: Uncertain significance. Last evaluated: 2023-05-16. Review status: criteria provided, single submitter. Criteria: ACMG Guidelines, 2015. Collection method: clinical testing. Allele origin: germline.

Genome-Nilou Lab
Classification: Uncertain significance for Neurofibromatosis, type 1. Last evaluated: 2022-03-15. Review status: criteria provided, single submitter. Criteria: ACMG Guidelines, 2015. Collection method: clinical testing. Allele origin: germline. Affected: no.

Ambry Genetics
Classification: Uncertain significance for Cardiovascular phenotype; Hereditary cancer-predisposing syndrome. Last evaluated: 2020-11-13. Review status: criteria provided, single submitter. Criteria: Ambry Variant Classification Scheme 2023. Collection method: clinical testing. Allele origin: germline.
Comment: The p.R1825G variant (also known as c.5473C>G), located in coding exon 37 of the NF1 gene, results from a C to G substitution at nucleotide position 5473. The arginine at codon 1825 is replaced by glycine, an amino acid with dissimilar properties. This amino acid position is highly conserved in available vertebrate species. In addition, this alteration is predicted to be deleterious by in silico analysis. Since supporting evidence is limited at this time, the clinical significance of this alteration remains unclear.

NM_001042492.3(NF1):c.5536C>G (p.Arg1846Gly)

Gene: NF1 (neurofibromin 1; plus strand). Cytogenetic location: 17q11.2.
Variant type: single nucleotide variant.
Coding change: c.5536C>G on transcript NM_001042492.3 (MANE Select); coding-DNA position 5536, C replaced by G.
Protein change: p.Arg1846Gly; replaces arginine 1846 with glycine.
Molecular consequence: missense variant.
Genome position (GRCh38, 1-based): chr17:31,327,766, C>G. VCF-style: chr17-31327766-C-G. GRCh37 (hg19) VCF-style: chr17-29654784-C-G.
Other names: c.5473C>G, p.Arg1825Gly (NM_000267.4); short protein forms R1846G, R1825G.
Identifiers: ClinVar variation 825761 (VCV000825761.13), dbSNP rs769843989, ClinGen allele CA399009798.